The following is an entry in ClinVar:

NM_000245.4(MET):c.52T>A (p.Leu18Met)

Gene: MET (MET proto-oncogene, receptor tyrosine kinase; plus strand). Cytogenetic location: 7q31.2.
Variant type: single nucleotide variant.
Coding change: c.52T>A on transcript NM_000245.4 (MANE Select); coding-DNA position 52, T replaced by A.
Protein change: p.Leu18Met; replaces leucine 18 with methionine.
Molecular consequence: missense variant. On other transcripts: intron variant (1).
Genome position (GRCh38, 1-based): chr7:116,699,136, T>A. VCF-style: chr7-116699136-T-A. GRCh37 (hg19) VCF-style: chr7-116339190-T-A.
Other names: c.52T>A, p.Leu18Met (NM_001127500.3, NM_001324401.3); c.-91+26559T>A (NM_001324402.2); short protein forms L18M.
Identifiers: ClinVar variation 2495762 (VCV002495762.2), dbSNP rs1260001540, ClinGen allele CA368968233.
Genomic context (GRCh38, chr7:116,699,136, plus strand): 5'-CCTCTCATAATGAAGGCCCCCGCTGTGCTTGCACCTGGCATCCTCGTGCTCCTGTTTACC[T>A]TGGTGCAGAGGAGCAATGGGGAGTGTAAAGAGGCACTAGCAAAGTCCGAGATGAATGTGA-3'
Protein context (NP_000236.2, residues 8-28): APGILVLLFT[Leu18Met]VQRSNGECKE

ClinVar aggregate classification (germline): Uncertain significance (1 of 4 stars; one submission).

Conditions:
Hereditary cancer-predisposing syndrome. Also called: Neoplastic Syndromes, Hereditary; Hereditary neoplastic syndrome; Tumor predisposition; Hereditary Cancer Syndrome. Identifiers: Orphanet 140162, MedGen C0027672, MeSH D009386, MONDO:0015356.

Submission:

Ambry Genetics
Classification: Uncertain significance for Hereditary cancer-predisposing syndrome. Last evaluated: 2022-11-17. Review status: criteria provided, single submitter. Criteria: Ambry Variant Classification Scheme 2023. Collection method: clinical testing. Allele origin: germline.
Comment: The p.L18M variant (also known as c.52T>A), located in coding exon 1 of the MET gene, results from a T to A substitution at nucleotide position 52. The leucine at codon 18 is replaced by methionine, an amino acid with highly similar properties. This amino acid position is conserved. In addition, the in silico prediction for this alteration is inconclusive. Since supporting evidence is limited at this time, the clinical significance of this alteration remains unclear.